The following is an entry in ClinVar:

NM_000836.4(GRIN2D):c.3686C>T (p.Pro1229Leu)

Gene: GRIN2D (glutamate ionotropic receptor NMDA type subunit 2D; plus strand). Cytogenetic location: 19q13.33.
Variant type: single nucleotide variant.
Coding change: c.3686C>T on transcript NM_000836.4 (MANE Select); coding-DNA position 3686, C replaced by T.
Protein change: p.Pro1229Leu; replaces proline 1229 with leucine.
Molecular consequence: missense variant.
Genome position (GRCh38, 1-based): chr19:48,443,612, C>T. VCF-style: chr19-48443612-C-T. GRCh37 (hg19) VCF-style: chr19-48946869-C-T.
Other names: short protein forms P1229L.
Identifiers: ClinVar variation 2090518 (VCV002090518.4), dbSNP rs1350753867, ClinGen allele CA406677553.

ClinVar aggregate classification (germline): Uncertain significance (1 of 4 stars; one submission).

Allele frequency attached by ClinVar (database versions not stated): gnomAD 0.00001; gnomAD exomes 0.00001; TOPMed 0.00001.
gnomAD v4.1: 10 of 1,105,444 alleles (0.0009%); highest among the groups gnomAD compares: Non-Finnish European, 0.00099%; no homozygotes.

Submission:

Labcorp Genetics (formerly Invitae), Labcorp
Classification: Uncertain significance. Last evaluated: 2022-03-04. Review status: criteria provided, single submitter. Criteria: Invitae Variant Classification Sherloc (09022015). Collection method: clinical testing. Allele origin: germline.
Comment: This variant has not been reported in the literature in individuals affected with GRIN2D-related conditions. Advanced modeling of protein sequence and biophysical properties (such as structural, functional, and spatial information, amino acid conservation, physicochemical variation, residue mobility, and thermodynamic stability) performed at Invitae indicates that this missense variant is not expected to disrupt GRIN2D protein function. In summary, the available evidence is currently insufficient to determine the role of this variant in disease. Therefore, it has been classified as a Variant of Uncertain Significance. The frequency data for this variant in the population databases is considered unreliable, as metrics indicate insufficient coverage at this position in the gnomAD database. This sequence change replaces proline, which is neutral and non-polar, with leucine, which is neutral and non-polar, at codon 1229 of the GRIN2D protein (p.Pro1229Leu).